The following is an entry in ClinVar:

NM_000426.4(LAMA2):c.5962_5963delinsTG (p.Val1988Ter)

Gene: LAMA2 (laminin subunit alpha 2; plus strand). Cytogenetic location: 6q22.33.
Variant type: Indel.
Coding change: c.5962_5963delinsTG on transcript NM_000426.4 (MANE Select); coding-DNA positions 5962 to 5963, GT replaced by TG.
Protein change: p.Val1988Ter; replaces valine 1988 with a stop codon.
Molecular consequence: nonsense.
Genome position (GRCh38, 1-based): chr6:129,427,848-129,427,849, GT replaced by TG. VCF-style: chr6-129427848-GT-TG. GRCh37 (hg19) VCF-style: chr6-129748993-GT-TG.
Other names: c.5962_5963delinsTG, p.Val1988Ter (NM_001079823.2); short protein forms V1988*.
Identifiers: ClinVar variation 2987086 (VCV002987086.3), dbSNP rs2114740915, ClinGen allele CA2573052585.

ClinVar aggregate classification (germline): Pathogenic (1 of 4 stars; one submission).

Conditions:
LAMA2-related muscular dystrophy (LAMA2-RD). Also called: Laminin alpha 2-related dystrophy. Identifiers: MedGen C5679788, MONDO:0100228.

Submission:

Labcorp Genetics (formerly Invitae), Labcorp
Classification: Pathogenic for LAMA2-related muscular dystrophy. Last evaluated: 2023-04-27. Review status: criteria provided, single submitter. Criteria: Invitae Variant Classification Sherloc (09022015). Collection method: clinical testing. Allele origin: germline.
Comment: For these reasons, this variant has been classified as Pathogenic. This variant has not been reported in the literature in individuals affected with LAMA2-related conditions. This variant is present in population databases (no rsID available, gnomAD 0.0004%). This sequence change creates a premature translational stop signal (p.Val1988*) in the LAMA2 gene. It is expected to result in an absent or disrupted protein product. Loss-of-function variants in LAMA2 are known to be pathogenic (PMID: 18700894, 32904964).

Literature cited by the submitters: PubMed 18700894; PubMed 32904964.